The following is an entry in ClinVar:

ClinVar aggregate classification (germline): Uncertain significance (1 of 4 stars; one submission).

Conditions:
Dilated cardiomyopathy 1G (CMD1G). Identifiers: Orphanet 154, MedGen C1858763, MONDO:0011400, OMIM 604145.
Autosomal recessive limb-girdle muscular dystrophy type 2J (LGMDR10). Also called: Limb-girdle muscular dystrophy, type 2J; MUSCULAR DYSTROPHY, LIMB-GIRDLE, AUTOSOMAL RECESSIVE 10. Identifiers: Orphanet 140922, MedGen C1837342, MONDO:0012127, OMIM 608807.

Submission:

Labcorp Genetics (formerly Invitae), Labcorp
Classification: Uncertain significance for Dilated cardiomyopathy 1G; Autosomal recessive limb-girdle muscular dystrophy type 2J. Last evaluated: 2024-11-04. Review status: criteria provided, single submitter. Criteria: Invitae Variant Classification Sherloc (09022015). Collection method: clinical testing. Allele origin: germline.
Comment: This sequence change replaces leucine, which is neutral and non-polar, with serine, which is neutral and polar, at codon 34963 of the TTN protein (p.Leu34963Ser). This variant is not present in population databases (gnomAD no frequency). This variant has not been reported in the literature in individuals affected with TTN-related conditions. ClinVar contains an entry for this variant (Variation ID: 2948777). Experimental studies and prediction algorithms are not available or were not evaluated, and the functional significance of this variant is currently unknown. In summary, the available evidence is currently insufficient to determine the role of this variant in disease. Therefore, it has been classified as a Variant of Uncertain Significance.

NM_001267550.2(TTN):c.104888T>C (p.Leu34963Ser)

Genes: TTN (titin; minus strand), TTN-AS1 (TTN antisense RNA 1; plus strand). Cytogenetic location: 2q31.2.
Variant type: single nucleotide variant.
Coding change: c.104888T>C on transcript NM_001267550.2 (MANE Select); coding-DNA position 104888, T replaced by C.
Protein change: p.Leu34963Ser; replaces leucine 34963 with serine.
Molecular consequence: missense variant.
Genome position (GRCh38, 1-based): chr2:178,531,727, A>G on the plus strand (T>C on the coding strand, the complement: TTN is on the minus strand). VCF-style: chr2-178531727-A-G. GRCh37 (hg19) VCF-style: chr2-179396454-A-G.
Other names: c.99965T>C, p.Leu33322Ser (NM_001256850.1); c.77693T>C, p.Leu25898Ser (NM_003319.4); c.97184T>C, p.Leu32395Ser (NM_133378.4); c.78068T>C, p.Leu26023Ser (NM_133432.3); c.78269T>C, p.Leu26090Ser (NM_133437.4); short protein forms L25898S, L26023S, L32395S, L26090S, L33322S, L34963S.
Identifiers: ClinVar variation 2948777 (VCV002948777.3), dbSNP rs2468420646, ClinGen allele CA349410605.
Genomic context (GRCh38, chr2:178,531,727, plus strand): 5'-TGGAGTTCCACACCATTGTGGTACCATTTAACCTCGGCAGTTGGCTTAGACTGAACATTT[A>G]AAATAAAACGTGTATTTTGGCCACATGGTACCCTGTGCGAGCGCATTCTCAGTGTGATTC-3'
Protein context (NP_001254479.2, residues 34953-34973): VPCGQNTRFI[Leu34963Ser]NVQSKPTAEV